The following is an entry in ClinVar:

ClinVar aggregate classification (germline): Uncertain significance (1 of 4 stars; one submission).

Conditions:
Hereditary cancer-predisposing syndrome. Also called: Neoplastic Syndromes, Hereditary; Tumor predisposition; Hereditary neoplastic syndrome; Hereditary Cancer Syndrome. Identifiers: Orphanet 140162, MedGen C0027672, MeSH D009386, MONDO:0015356.

Submission:

Ambry Genetics
Classification: Uncertain significance for Hereditary cancer-predisposing syndrome. Last evaluated: 2026-07-07. Review status: criteria provided, single submitter. Criteria: Ambry Variant Classification Scheme 2023. Collection method: clinical testing. Allele origin: germline.
Comment: The p.D128V variant (also known as c.383A>T), located in coding exon 1 of the MET gene, results from an A to T substitution at nucleotide position 383. The aspartic acid at codon 128 is replaced by valine, an amino acid with highly dissimilar properties. This amino acid position is conserved. In addition, the in silico prediction for this alteration is inconclusive. Based on the available evidence, the clinical significance of this variant remains unclear.

NM_000245.4(MET):c.383A>T (p.Asp128Val)

Gene: MET (MET proto-oncogene, receptor tyrosine kinase; plus strand). Cytogenetic location: 7q31.2.
Variant type: single nucleotide variant.
Coding change: c.383A>T on transcript NM_000245.4 (MANE Select); coding-DNA position 383, A replaced by T.
Protein change: p.Asp128Val; replaces aspartic acid 128 with valine.
Molecular consequence: missense variant. On other transcripts: intron variant (1).
Genome position (GRCh38, 1-based): chr7:116,699,467, A>T. VCF-style: chr7-116699467-A-T. GRCh37 (hg19) VCF-style: chr7-116339521-A-T.
Other names: c.383A>T, p.Asp128Val (NM_001127500.3, NM_001324401.3); c.-91+26890A>T (NM_001324402.2); short protein forms D128V.
Identifiers: ClinVar variation 5024379 (VCV005024379.1).